The following is an entry in ClinVar:

NM_017934.7(PHIP):c.1880-6G>T

Gene: PHIP (PHIP subunit of CUL4-Ring ligase complex; minus strand). Cytogenetic location: 6q14.1.
Variant type: single nucleotide variant.
Coding change: c.1880-6G>T on transcript NM_017934.7 (MANE Select); 6 bases into the intron before coding-DNA position 1880, G replaced by T.
Molecular consequence: intron variant.
Genome position (GRCh38, 1-based): chr6:78,998,397, C>A on the plus strand (G>T on the coding strand, the complement: PHIP is on the minus strand). VCF-style: chr6-78998397-C-A. GRCh37 (hg19) VCF-style: chr6-79708114-C-A.
Identifiers: ClinVar variation 4983281 (VCV004983281.1).

ClinVar aggregate classification (germline): Likely benign (1 of 4 stars; one submission).

Conditions:
PHIP-related disorder. Also called: PHIP-related condition; PHIP-related disorders.

Submission:

PreventionGenetics, part of Exact Sciences
Classification: Likely benign for PHIP-related condition. Last evaluated: 2025-11-26. Review status: criteria provided, single submitter. Criteria: ACMG Guidelines, 2015. Collection method: clinical testing. Allele origin: germline.
Comment: This variant is classified as likely benign based on ACMG/AMP sequence variant interpretation guidelines (Richards et al. 2015 PMID: 25741868, with internal and published modifications).